The following is an entry in ClinVar:

ClinVar aggregate classification (germline): Uncertain significance. Review status: criteria provided, multiple submitters, no conflicts (2 of 4 stars). 2 submissions from 2 submitters: Uncertain significance (2). Last evaluated 2026-04-22.

Conditions:
Inborn genetic diseases. Identifiers: MedGen C0950123, MeSH D030342.
Fanconi anemia (FA). Also called: Fanconi's anemia. Identifiers: Orphanet 84, MedGen C0015625, MeSH D005199, MONDO:0019391.

gnomAD v4.1: 1 of 1,559,248 alleles (0.000064%); no homozygotes.

Submissions (2):

Ambry Genetics
Classification: Uncertain significance for Inborn genetic diseases. Last evaluated: 2026-04-22. Review status: criteria provided, single submitter. Criteria: Ambry Variant Classification Scheme 2023. Collection method: clinical testing. Allele origin: germline.
Comment: The p.G873C variant (also known as c.2617G>T), located in coding exon 14 of the FANCM gene, results from a G to T substitution at nucleotide position 2617. The glycine at codon 873 is replaced by cysteine, an amino acid with highly dissimilar properties. This amino acid position is conserved. In addition, this alteration is predicted to be tolerated by in silico analysis. Based on the available evidence, the clinical significance of this variant remains unclear.

Labcorp Genetics (formerly Invitae), Labcorp
Classification: Uncertain significance for Fanconi anemia. Last evaluated: 2022-06-27. Review status: criteria provided, single submitter. Criteria: Invitae Variant Classification Sherloc (09022015). Collection method: clinical testing. Allele origin: germline.
Comment: This sequence change replaces glycine, which is neutral and non-polar, with cysteine, which is neutral and slightly polar, at codon 873 of the FANCM protein (p.Gly873Cys). In summary, the available evidence is currently insufficient to determine the role of this variant in disease. Therefore, it has been classified as a Variant of Uncertain Significance. Algorithms developed to predict the effect of missense changes on protein structure and function (SIFT, PolyPhen-2, Align-GVGD) all suggest that this variant is likely to be tolerated. ClinVar contains an entry for this variant (Variation ID: 949759). This variant has not been reported in the literature in individuals affected with FANCM-related conditions. This variant is not present in population databases (gnomAD no frequency).

NM_020937.4(FANCM):c.2617G>T (p.Gly873Cys)

Gene: FANCM (FA complementation group M; plus strand). Cytogenetic location: 14q21.2.
Variant type: single nucleotide variant.
Coding change: c.2617G>T on transcript NM_020937.4 (MANE Select); coding-DNA position 2617, G replaced by T.
Protein change: p.Gly873Cys; replaces glycine 873 with cysteine.
Molecular consequence: missense variant.
Genome position (GRCh38, 1-based): chr14:45,175,371, G>T. VCF-style: chr14-45175371-G-T. GRCh37 (hg19) VCF-style: chr14-45644574-G-T.
Other names: c.2539G>T, p.Gly847Cys (NM_001308133.2); short protein forms G847C, G873C.
Identifiers: ClinVar variation 949759 (VCV000949759.9), dbSNP rs538729337, ClinGen allele CA389598248.